The following is an entry in ClinVar:

ClinVar aggregate classification (germline): Conflicting classifications of pathogenicity. Review status: criteria provided, conflicting classifications (1 of 4 stars). 6 submissions from 6 submitters: Uncertain significance (5); Likely benign (1). Last evaluated 2025-03-03.

Conditions:
Cardiovascular phenotype. Identifiers: MedGen CN230736.
Cardiomyopathy (CMYO). Also called: Cardiomyopathies. Identifiers: Orphanet 167848, MedGen C0878544, MONDO:0004994, HP:0001638. Inheritance: Various modes of inheritance.
Lethal congenital glycogen storage disease of heart. Also called: GLYCOGEN STORAGE DISEASE OF HEART; PHOSPHORYLASE KINASE DEFICIENCY OF HEART. Identifiers: Orphanet 439854, MedGen C1849813, MONDO:0009867, OMIM 261740.
Hypertrophic cardiomyopathy. Also called: HYPERTROPHIC MYOCARDIOPATHY. Identifiers: Orphanet 217569, MedGen C0007194, MeSH D002312, MONDO:0005045, HP:0001639.

Allele frequency attached by ClinVar (database versions not stated): gnomAD exomes 0.00001 and 0.00002; TOPMed 0.00004; gnomAD 0.00006.
gnomAD v4.1: 16 of 1,611,290 alleles (0.00099%); highest among the groups gnomAD compares: Admixed American, 0.018%; no homozygotes.

Submissions (6):

Labcorp Genetics (formerly Invitae), Labcorp
Classification: Uncertain significance for Lethal congenital glycogen storage disease of heart. Last evaluated: 2025-03-03. Review status: criteria provided, single submitter. Criteria: Invitae Variant Classification Sherloc (09022015). Collection method: clinical testing. Allele origin: germline.
Comment: This sequence change replaces arginine, which is basic and polar, with glutamine, which is neutral and polar, at codon 61 of the PRKAG2 protein (p.Arg61Gln). This variant is present in population databases (rs564358410, gnomAD 0.009%). This missense change has been observed in individual(s) with PRKAG2-related conditions (PMID: 38270345). ClinVar contains an entry for this variant (Variation ID: 1311028). Invitae Evidence Modeling of protein sequence and biophysical properties (such as structural, functional, and spatial information, amino acid conservation, physicochemical variation, residue mobility, and thermodynamic stability) indicates that this missense variant is not expected to disrupt PRKAG2 protein function with a negative predictive value of 95%. In summary, the available evidence is currently insufficient to determine the role of this variant in disease. Therefore, it has been classified as a Variant of Uncertain Significance.

Color Diagnostics, LLC DBA Color Health
Classification: Uncertain significance for Cardiomyopathy. Last evaluated: 2025-01-20. Review status: criteria provided, single submitter. Criteria: ACMG Guidelines, 2015. Collection method: clinical testing. Allele origin: germline.
Comment: This missense variant replaces arginine with glutamine at codon 61 of the PRKAG2 protein. Computational prediction suggests that this variant may not impact protein structure and function. To our knowledge, functional studies have not been reported for this variant. This variant has not been reported in individuals affected with PRKAG2-related disorders in the literature. This variant has been identified in 5/246412 chromosomes in the general population by the Genome Aggregation Database (gnomAD). The available evidence is insufficient to determine the role of this variant in disease conclusively. Therefore, this variant is classified as a Variant of Uncertain Significance.

Ambry Genetics
Classification: Uncertain significance for Cardiovascular phenotype. Last evaluated: 2024-07-26. Review status: criteria provided, single submitter. Criteria: Ambry Variant Classification Scheme 2023. Collection method: clinical testing. Allele origin: germline.
Comment: The p.R61Q variant (also known as c.182G>A), located in coding exon 2 of the PRKAG2 gene, results from a G to A substitution at nucleotide position 182. The arginine at codon 61 is replaced by glutamine, an amino acid with highly similar properties. This amino acid position is highly conserved in available vertebrate species. In addition, the in silico prediction for this alteration is inconclusive. Based on the available evidence, the clinical significance of this variant remains unclear.

All of Us Research Program, National Institutes of Health
Classification: Uncertain significance for Hypertrophic cardiomyopathy. Last evaluated: 2023-11-30. Review status: criteria provided, single submitter. Criteria: ACMG Guidelines, 2015. Collection method: clinical testing. Allele origin: germline. Inheritance: Autosomal dominant inheritance. Observed: 3 variant alleles, 3 heterozygotes.
Comment: This missense variant replaces arginine with glutamine at codon 61 of the PRKAG2 protein. Computational prediction suggests that this variant may not impact protein structure and function (internally defined REVEL score threshold <= 0.5, PMID: 27666373). To our knowledge, functional studies have not been reported for this variant. This variant has not been reported in individuals affected with PRKAG2-related disorders in the literature. This variant has been identified in 5/246412 chromosomes in the general population by the Genome Aggregation Database (gnomAD). The available evidence is insufficient to determine the role of this variant in disease conclusively. Therefore, this variant is classified as a Variant of Uncertain Significance.

This study involves interpretation of variants in research participants for the purpose of population health screening. Participant phenotype was not available at the time of variant classification. Additional details can be found in publication PMID: 35346344, PMCID: PMC8962531

Women's Health and Genetics/Laboratory Corporation of America, LabCorp
Classification: Likely benign. Last evaluated: 2021-10-11. Review status: criteria provided, single submitter. Criteria: LabCorp Variant Classification Summary - May 2015. Collection method: clinical testing. Allele origin: germline.
Comment: Variant summary: PRKAG2 c.182G>A (p.Arg61Gln) results in a conservative amino acid change in the encoded protein sequence. Three of five in-silico tools predict a damaging effect of the variant on protein function. The variant allele was found at a frequency of 3.6e-05 in 359788 control chromosomes, predominantly at a frequency of 0.00023 within the Latino subpopulation in the gnomAD database (gnomAD v2.1 and gnomAD v3.1.1 (non-v2) datasets). The observed variant frequency within Latino control individuals in the gnomAD database is approximately 18-fold of the estimated maximal expected allele frequency for a pathogenic variant in PRKAG2 causing Hypertrophic Cardiomyopathy with Wolff-Parkinson-White phenotype (1.3e-05), strongly suggesting that the variant is a benign polymorphism found primarily in populations of Latino origin. To our knowledge, no occurrence of c.182G>A in individuals affected with Hypertrophic Cardiomyopathy with Wolff-Parkinson-White and no experimental evidence demonstrating its impact on protein function have been reported. No clinical diagnostic laboratories have submitted clinical-significance assessments for this variant to ClinVar after 2014. Based on the evidence outlined above, the variant was classified as likely benign.

GeneDx
Classification: Uncertain significance. Last evaluated: 2019-09-06. Review status: criteria provided, single submitter. Criteria: GeneDx Variant Classification Process June 2021. Collection method: clinical testing. Allele origin: germline. Affected: yes.
Comment: Has not been previously published as pathogenic or benign to our knowledge; Not observed at a significant frequency in large population cohorts (Lek et al., 2016); In silico analysis, which includes protein predictors and evolutionary conservation, supports that this variant does not alter protein structure/function

Literature cited by the submitters: PubMed 38270345 (cited by Labcorp Genetics (formerly Invitae), Labcorp).

NM_016203.4(PRKAG2):c.182G>A (p.Arg61Gln)

Gene: PRKAG2 (protein kinase AMP-activated non-catalytic subunit gamma 2; minus strand). Cytogenetic location: 7q36.1.
Variant type: single nucleotide variant.
Coding change: c.182G>A on transcript NM_016203.4 (MANE Select); coding-DNA position 182, G replaced by A.
Protein change: p.Arg61Gln; replaces arginine 61 with glutamine.
Molecular consequence: missense variant.
Genome position (GRCh38, 1-based): chr7:151,786,474, C>T on the plus strand (G>A on the coding strand, the complement: PRKAG2 is on the minus strand). VCF-style: chr7-151786474-C-T. GRCh37 (hg19) VCF-style: chr7-151483560-C-T.
Other names: c.50G>A, p.Arg17Gln (NM_001040633.2); short protein forms R17Q, R61Q.
Identifiers: ClinVar variation 1311028 (VCV001311028.11), dbSNP rs564358410, ClinGen allele CA169174453.